The following is an entry in ClinVar:

NM_002582.4(PARN):c.1690G>A (p.Val564Ile)

Gene: PARN (poly(A)-specific ribonuclease; minus strand). Cytogenetic location: 16p13.12.
Variant type: single nucleotide variant.
Coding change: c.1690G>A on transcript NM_002582.4 (MANE Select); coding-DNA position 1690, G replaced by A.
Protein change: p.Val564Ile; replaces valine 564 with isoleucine.
Molecular consequence: missense variant.
Genome position (GRCh38, 1-based): chr16:14,447,062, C>T on the plus strand (G>A on the coding strand, the complement: PARN is on the minus strand). VCF-style: chr16-14447062-C-T. GRCh37 (hg19) VCF-style: chr16-14540919-C-T.
Other names: p.Val564Ile; c.1507G>A, p.Val503Ile (NM_001134477.3); c.1552G>A, p.Val518Ile (NM_001242992.2); c.1690G>A, p.Val564Ile (LRG_1286t1); short protein forms V564I, V503I, V518I.
Identifiers: ClinVar variation 436149 (VCV000436149.19), dbSNP rs35722504, ClinGen allele CA7911944.

ClinVar aggregate classification (germline): Benign. Review status: criteria provided, multiple submitters, no conflicts (2 of 4 stars). 4 submissions from 4 submitters: Benign (4). Last evaluated 2026-02-01.

Conditions:
Dyskeratosis congenita, autosomal recessive 6 (DKCB6). Identifiers: MedGen C4225356, MONDO:0014600, OMIM 616353.
Pulmonary fibrosis and/or bone marrow failure, Telomere-related, 4. Also called: PULMONARY FIBROSIS AND/OR BONE MARROW FAILURE SYNDROME, TELOMERE-RELATED, 4. Identifiers: Orphanet 2032, MedGen C4225347, MONDO:0014612, OMIM 616371.

Allele frequency attached by ClinVar (database versions not stated): 1000 Genomes Project 30x 0.00547; 1000 Genomes Project 0.00599; gnomAD 0.00623 and 0.00673; TOPMed 0.00629; ESP Exome Variant Server 0.00732; gnomAD exomes 0.00861 and 0.00934; ExAC 0.00921.
gnomAD v4.1: 14,724 of 1,613,602 alleles (0.91%); highest among the groups gnomAD compares: Middle Eastern, 1.7%; 108 homozygotes.

Submissions (4):

Labcorp Genetics (formerly Invitae), Labcorp
Classification: Benign for Dyskeratosis congenita, autosomal recessive 6; Pulmonary fibrosis and/or bone marrow failure, Telomere-related, 4. Last evaluated: 2026-02-01. Review status: criteria provided, single submitter. Criteria: Invitae Variant Classification Sherloc (09022015). Collection method: clinical testing. Allele origin: germline.

Mayo Clinic Laboratories, Mayo Clinic
Classification: Benign. Last evaluated: 2023-10-27. Review status: criteria provided, single submitter. Criteria: ACMG Guidelines, 2015. Collection method: clinical testing. Allele origin: germline. Observed: 6 variant alleles.
Comment: BS1, BS2, BP4

Genetic Services Laboratory, University of Chicago
Classification: Benign. Last evaluated: 2016-11-14. Review status: criteria provided, single submitter. Criteria: ACMG Guidelines, 2015. Collection method: clinical testing. Allele origin: germline. Affected: no.

Breakthrough Genomics
Classification: Benign. Review status: criteria provided, single submitter. Criteria: ACMG Guidelines, 2015. Collection method: not provided. Allele origin: germline. Inheritance: Autosomal recessive inheritance. Affected: yes.